The following is an entry in ClinVar:

NM_001430.5(EPAS1):c.2329C>G (p.Leu777Val)

Gene: EPAS1 (endothelial PAS domain protein 1; plus strand). Cytogenetic location: 2p21.
Variant type: single nucleotide variant.
Coding change: c.2329C>G on transcript NM_001430.5 (MANE Select); coding-DNA position 2329, C replaced by G.
Protein change: p.Leu777Val; replaces leucine 777 with valine.
Molecular consequence: missense variant.
Genome position (GRCh38, 1-based): chr2:46,382,466, C>G. VCF-style: chr2-46382466-C-G. GRCh37 (hg19) VCF-style: chr2-46609605-C-G.
Other names: short protein forms L777V.
Identifiers: ClinVar variation 1789683 (VCV001789683.2), dbSNP rs1359625696, ClinGen allele CA346706032.

ClinVar aggregate classification (germline): Uncertain significance (1 of 4 stars; one submission).

Conditions:
Inborn genetic diseases. Identifiers: MedGen C0950123, MeSH D030342.

Allele frequency attached by ClinVar (database versions not stated): gnomAD exomes below 0.00001; TOPMed below 0.00001.
gnomAD v4.1: 2 of 1,614,162 alleles (0.00012%); highest among the groups gnomAD compares: Admixed American, 0.0017%; no homozygotes.

Submission:

Ambry Genetics
Classification: Uncertain significance for Inborn genetic diseases. Last evaluated: 2023-12-08. Review status: criteria provided, single submitter. Criteria: Ambry Variant Classification Scheme 2023. Collection method: clinical testing. Allele origin: germline.
Comment: The p.L777V variant (also known as c.2329C>G), located in coding exon 15 of the EPAS1 gene, results from a C to G substitution at nucleotide position 2329. The leucine at codon 777 is replaced by valine, an amino acid with highly similar properties. This amino acid position is conserved. In addition, this alteration is predicted to be tolerated by in silico analysis. Since supporting evidence is limited at this time, the clinical significance of this alteration remains unclear.